The following is an entry in ClinVar:

NM_177438.3(DICER1):c.957T>C (p.Asp319=)

Gene: DICER1 (dicer 1, ribonuclease III; minus strand). Cytogenetic location: 14q32.13.
Variant type: single nucleotide variant.
Coding change: c.957T>C on transcript NM_177438.3 (MANE Select); coding-DNA position 957, T replaced by C.
Protein change: p.Asp319=; no amino-acid change (aspartic acid 319 retained).
Molecular consequence: synonymous variant.
Genome position (GRCh38, 1-based): chr14:95,124,615, A>G on the plus strand (T>C on the coding strand, the complement: DICER1 is on the minus strand). VCF-style: chr14-95124615-A-G. GRCh37 (hg19) VCF-style: chr14-95590952-A-G.
Other names: c.957T>C (NM_177438.2); c.957T>C, p.Asp319= (NM_001195573.1, NM_001271282.3, NM_001291628.2 and 1 more transcripts).
Identifiers: ClinVar variation 1160013 (VCV001160013.12), dbSNP rs748873046, ClinGen allele CA7331542.

ClinVar aggregate classification (germline): Benign/Likely benign. Review status: criteria provided, multiple submitters, no conflicts (2 of 4 stars). 3 submissions from 3 submitters: Benign (1); Likely benign (2). Last evaluated 2026-04-15.

Conditions:
Hereditary cancer-predisposing syndrome. Also called: Neoplastic Syndromes, Hereditary; Tumor predisposition; Hereditary Cancer Syndrome; Hereditary neoplastic syndrome. Identifiers: Orphanet 140162, MedGen C0027672, MeSH D009386, MONDO:0015356.
DICER1-related tumor predisposition. Also called: DICER1 syndrome; DICER1-related pleuropulmonary blastoma cancer predisposition syndrome. Identifiers: Orphanet 284343, MedGen C3839822, MONDO:0100216.

Allele frequency attached by ClinVar (database versions not stated): ExAC 0.00002; gnomAD exomes 0.00001.
gnomAD v4.1: 4 of 1,613,744 alleles (0.00025%); highest among the groups gnomAD compares: South Asian, 0.0033%; no homozygotes.

Submissions (3):

Myriad Genetics, Inc.
Classification: Benign for DICER1-related tumor predisposition. Last evaluated: 2026-04-15. Review status: criteria provided, single submitter. Criteria: Myriad Autosomal Dominant, Autosomal Recessive and X-Linked Classification Criteria (2023). Collection method: clinical testing. Allele origin: unknown.
Comment: This variant is considered benign. This variant is a silent/synonymous amino acid change and it is not expected to impact splicing.

Labcorp Genetics (formerly Invitae), Labcorp
Classification: Likely benign for DICER1-related tumor predisposition. Last evaluated: 2025-12-21. Review status: criteria provided, single submitter. Criteria: Invitae Variant Classification Sherloc (09022015). Collection method: clinical testing. Allele origin: germline.

Ambry Genetics
Classification: Likely benign for Hereditary cancer-predisposing syndrome. Last evaluated: 2022-11-03. Review status: criteria provided, single submitter. Criteria: Ambry Variant Classification Scheme 2023. Collection method: clinical testing. Allele origin: germline.